The following is an entry in ClinVar:

ClinVar aggregate classification (germline): Uncertain significance (1 of 4 stars; one submission).

gnomAD v4.1: 3 of 1,597,982 alleles (0.00019%); highest among the groups gnomAD compares: Non-Finnish European, 0.00017%; no homozygotes.

Submission:

GeneDx
Classification: Uncertain significance. Last evaluated: 2025-12-09. Review status: criteria provided, single submitter. Criteria: GeneDx Variant Classification Process June 2021. Collection method: clinical testing. Allele origin: germline.
Comment: Not observed at significant frequency in large population cohorts (gnomAD); In silico analysis suggests that this missense variant does not alter protein structure/function; Has not been previously published as pathogenic or benign to our knowledge

NM_020751.3(COG6):c.1705A>G (p.Asn569Asp)

Gene: COG6 (component of oligomeric golgi complex 6; plus strand). Cytogenetic location: 13q14.11.
Variant type: single nucleotide variant.
Coding change: c.1705A>G on transcript NM_020751.3 (MANE Select); coding-DNA position 1705, A replaced by G.
Protein change: p.Asn569Asp; replaces asparagine 569 with aspartic acid.
Molecular consequence: missense variant. On other transcripts: non-coding transcript variant (1).
Genome position (GRCh38, 1-based): chr13:39,724,520, A>G. VCF-style: chr13-39724520-A-G. GRCh37 (hg19) VCF-style: chr13-40298657-A-G.
Other names: c.1705A>G, p.Asn569Asp (NM_001145079.2); short protein forms N569D.
Identifiers: ClinVar variation 3364152 (VCV003364152.2).
Genomic context (GRCh38, chr13:39,724,520, plus strand): 5'-TCCTTTTTTACATCTTGGATCTGCTTTTTTTTTTTTTTTTTTAAATAGGGCTCTTTAGCT[A>G]ATATGCCCAACCTAGATTCTGTGACACTGAAGGCTGCAATGGTAAGTGTATAATAAAACA-3'
Protein context (NP_065802.1, residues 559-579): QHKPEQGSLA[Asn569Asp]MPNLDSVTLK